The following is an entry in ClinVar:

NM_001365951.3(KIF1B):c.4255C>T (p.Arg1419Cys)

Gene: KIF1B (kinesin family member 1B; plus strand). Cytogenetic location: 1p36.22.
Variant type: single nucleotide variant.
Coding change: c.4255C>T on transcript NM_001365951.3 (MANE Select); coding-DNA position 4255, C replaced by T.
Protein change: p.Arg1419Cys; replaces arginine 1419 with cysteine.
Molecular consequence: missense variant.
Genome position (GRCh38, 1-based): chr1:10,361,776, C>T. VCF-style: chr1-10361776-C-T. GRCh37 (hg19) VCF-style: chr1-10421834-C-T.
Other names: c.4255C>T, p.Arg1419Cys (NM_001365952.1); c.4117C>T, p.Arg1373Cys (NM_015074.3); short protein forms R1373C, R1419C.
Identifiers: ClinVar variation 1737964 (VCV001737964.7), dbSNP rs143800192, ClinGen allele CA17847760.
Genomic context (GRCh38, chr1:10,361,776, plus strand): 5'-GTCATCACCAAGGATGTGTGCATGGTCTTCTACTCCCGAGATGCCAAGATCTCACCACCA[C>T]GCTCTCTGCGTAGCCTCTTTGGCAGCGGCTACTCAAAGTCACCAGATTCGTAAGTTTTTC-3'
Protein context (NP_001352880.1, residues 1409-1429): YSRDAKISPP[Arg1419Cys]SLRSLFGSGY

ClinVar aggregate classification (germline): Uncertain significance. Review status: criteria provided, multiple submitters, no conflicts (2 of 4 stars). 2 submissions from 2 submitters: Uncertain significance (2). Last evaluated 2025-05-20.

Conditions:
Charcot-Marie-Tooth disease type 2. Also called: Charcot-Marie-Tooth type 2. Identifiers: Orphanet 64746, MedGen C0270914, MONDO:0018993.

Allele frequency attached by ClinVar (database versions not stated): TOPMed 0.00002; ESP Exome Variant Server 0.00008; gnomAD 0.00001; gnomAD exomes 0.00001.
gnomAD v4.1: 22 of 1,614,080 alleles (0.0014%); highest among the groups gnomAD compares: Non-Finnish European, 0.0017%; no homozygotes.

Submissions (2):

Labcorp Genetics (formerly Invitae), Labcorp
Classification: Uncertain significance for Charcot-Marie-Tooth disease type 2. Last evaluated: 2025-05-20. Review status: criteria provided, single submitter. Criteria: Invitae Variant Classification Sherloc (09022015). Collection method: clinical testing. Allele origin: germline.
Comment: This sequence change replaces arginine, which is basic and polar, with cysteine, which is neutral and slightly polar, at codon 1373 of the KIF1B protein (p.Arg1373Cys). This variant is present in population databases (rs143800192, gnomAD 0.006%). This variant has not been reported in the literature in individuals affected with KIF1B-related conditions. ClinVar contains an entry for this variant (Variation ID: 1737964). An algorithm developed to predict the effect of missense changes on protein structure and function (PolyPhen-2) suggests that this variant is likely to be disruptive. In summary, the available evidence is currently insufficient to determine the role of this variant in disease. Therefore, it has been classified as a Variant of Uncertain Significance.

Ambry Genetics
Classification: Uncertain significance. Last evaluated: 2024-02-28. Review status: criteria provided, single submitter. Criteria: Ambry Variant Classification Scheme 2023. Collection method: clinical testing. Allele origin: germline.
Comment: The p.R1373C variant (also known as c.4117C>T), located in coding exon 37 of the KIF1B gene, results from a C to T substitution at nucleotide position 4117. The arginine at codon 1373 is replaced by cysteine, an amino acid with highly dissimilar properties. This amino acid position is highly conserved in available vertebrate species. In addition, this alteration is predicted to be deleterious by in silico analysis. Since supporting evidence is limited at this time, the clinical significance of this alteration remains unclear.